The following is an entry in ClinVar:

ClinVar aggregate classification (germline): Uncertain significance. Review status: criteria provided, single submitter (1 of 4 stars). 2 submissions from 2 submitters: Uncertain significance (1). 1 of the submissions does not count toward it. Last evaluated 2025-11-26.

Conditions:
UCP3-related disorder. Also called: UCP3-related condition.

gnomAD v4.1: 30 of 1,614,152 alleles (0.0019%); highest among the groups gnomAD compares: Middle Eastern, 0.016%; no homozygotes.

Submissions (2):

Ambry Genetics
Classification: Uncertain significance. Last evaluated: 2025-11-26. Review status: criteria provided, single submitter. Criteria: Ambry Variant Classification Scheme 2023. Collection method: clinical testing. Allele origin: germline.

PreventionGenetics, part of Exact Sciences
Classification: Uncertain significance for UCP3-related condition. Last evaluated: 2024-09-24. Review status: no assertion criteria provided. Collection method: clinical testing. Allele origin: germline. Not counted in ClinVar's aggregate classification.
Comment: The UCP3 c.289G>A variant is predicted to result in the amino acid substitution p.Gly97Ser. To our knowledge, this variant has not been reported in the literature. This variant is reported in 0.026% of alleles in individuals of South Asian descent in gnomAD. At this time, the clinical significance of this variant is uncertain due to the absence of conclusive functional and genetic evidence.

NM_003356.4(UCP3):c.289G>A (p.Gly97Ser)

Gene: UCP3 (uncoupling protein 3; minus strand). Cytogenetic location: 11q13.4.
Variant type: single nucleotide variant.
Coding change: c.289G>A on transcript NM_003356.4 (MANE Select); coding-DNA position 289, G replaced by A.
Protein change: p.Gly97Ser; replaces glycine 97 with serine.
Molecular consequence: missense variant.
Genome position (GRCh38, 1-based): chr11:74,006,217, C>T on the plus strand (G>A on the coding strand, the complement: UCP3 is on the minus strand). VCF-style: chr11-74006217-C-T. GRCh37 (hg19) VCF-style: chr11-73717262-C-T.
Other names: c.289G>A, p.Gly97Ser (NM_022803.3); short protein forms G97S.
Identifiers: ClinVar variation 3356688 (VCV003356688.2).